The following is an entry in ClinVar:

ClinVar aggregate classification (germline): Uncertain significance (1 of 4 stars; one submission).

Allele frequency attached by ClinVar (database versions not stated): TOPMed below 0.00001.

Submission:

GeneDx
Classification: Uncertain significance. Last evaluated: 2022-03-10. Review status: criteria provided, single submitter. Criteria: GeneDx Variant Classification Process June 2021. Collection method: clinical testing. Allele origin: germline. Affected: yes.
Comment: Not observed at significant frequency in large population cohorts (gnomAD); In silico analysis supports that this missense variant has a deleterious effect on protein structure/function; Has not been previously published as pathogenic or benign to our knowledge

NM_006618.5(KDM5B):c.554T>G (p.Phe185Cys)

Gene: KDM5B (lysine demethylase 5B; minus strand). Cytogenetic location: 1q32.1.
Variant type: single nucleotide variant.
Coding change: c.554T>G on transcript NM_006618.5 (MANE Select); coding-DNA position 554, T replaced by G.
Protein change: p.Phe185Cys; replaces phenylalanine 185 with cysteine.
Molecular consequence: missense variant.
Genome position (GRCh38, 1-based): chr1:202,773,140, A>C on the plus strand (T>G on the coding strand, the complement: KDM5B is on the minus strand). VCF-style: chr1-202773140-A-C. GRCh37 (hg19) VCF-style: chr1-202742268-A-C.
Other names: c.554T>G, p.Phe185Cys (NM_001314042.2, NM_001347591.2); c.539T>G, p.Phe180Cys (NM_001399817.1); short protein forms F180C, F185C.
Identifiers: ClinVar variation 1704661 (VCV001704661.2), dbSNP rs1656790991, ClinGen allele CA344263062.
Genomic context (GRCh38, chr1:202,773,140, plus strand): 5'-GTAAGATAAAACAGGTTAAGGCTAGCCCCCAAACTTACCCTTAGGCTGTCTCCGGACAGG[A>C]ATAAGTTGTAGGGGTTGAGAATTCGTTCATAATGCCCTCTGATATGTGAGCCCACTGCTT-3'
Protein context (NP_006609.3, residues 175-195): YERILNPYNL[Phe185Cys]LSGDSLRCLQ